The following is an entry in ClinVar:

ClinVar aggregate classification (germline): Uncertain significance. Review status: criteria provided, multiple submitters, no conflicts (2 of 4 stars). 3 submissions from 3 submitters: Uncertain significance (3). Last evaluated 2025-08-07.

Conditions:
Immunodeficiency 78 with autoimmunity and developmental delay. Also called: TPP2 deficiency. Identifiers: MedGen C5543159, MONDO:0030971, OMIM 619220.
Evans syndrome, immunodeficiency, and premature immunosenescence associated with tripeptidyl-peptidase II deficiency. Identifiers: MedGen CN231723. Disease mechanism: loss of function.

Allele frequency attached by ClinVar (database versions not stated): gnomAD exomes 0.00010 and 0.00018; ESP Exome Variant Server 0.00015; TOPMed 0.00020; ExAC 0.00012.
gnomAD v4.1: 282 of 1,613,854 alleles (0.017%); highest among the groups gnomAD compares: Non-Finnish European, 0.021%; no homozygotes.

Submissions (3):

Mayo Clinic Laboratories, Mayo Clinic
Classification: Uncertain significance. Last evaluated: 2025-08-07. Review status: criteria provided, single submitter. Criteria: ACMG Guidelines, 2015. Collection method: clinical testing. Allele origin: germline. Observed: 1 variant allele.
Comment: BP4_moderate

Labcorp Genetics (formerly Invitae), Labcorp
Classification: Uncertain significance for Evans syndrome, immunodeficiency, and premature immunosenescence associated with tripeptidyl-peptidase II deficiency. Last evaluated: 2024-01-14. Review status: criteria provided, single submitter. Criteria: Invitae Variant Classification Sherloc (09022015). Collection method: clinical testing. Allele origin: germline.
Comment: This sequence change replaces glutamine, which is neutral and polar, with proline, which is neutral and non-polar, at codon 1141 of the TPP2 protein (p.Gln1141Pro). This variant is present in population databases (rs199702252, gnomAD 0.06%). This missense change has been observed in individual(s) with multiple sclerosis (PMID: 30533531). ClinVar contains an entry for this variant (Variation ID: 1046445). Algorithms developed to predict the effect of missense changes on protein structure and function output the following: SIFT: "Not Available"; PolyPhen-2: "Benign"; Align-GVGD: "Not Available". The proline amino acid residue is found in multiple mammalian species, which suggests that this missense change does not adversely affect protein function. In summary, the available evidence is currently insufficient to determine the role of this variant in disease. Therefore, it has been classified as a Variant of Uncertain Significance.

Fulgent Genetics
Classification: Uncertain significance for Immunodeficiency 78 with autoimmunity and developmental delay. Last evaluated: 2022-04-11. Review status: criteria provided, single submitter. Criteria: ACMG Guidelines, 2015. Collection method: clinical testing. Allele origin: unknown.

Literature cited by the submitters: PubMed 30533531 (cited by Mayo Clinic Laboratories, Mayo Clinic and Labcorp Genetics (formerly Invitae), Labcorp).

NM_001330588.2(TPP2):c.3461A>C (p.Gln1154Pro)

Gene: TPP2 (tripeptidyl peptidase 2; plus strand). Cytogenetic location: 13q33.1.
Variant type: single nucleotide variant.
Coding change: c.3461A>C on transcript NM_001330588.2 (MANE Select); coding-DNA position 3461, A replaced by C.
Protein change: p.Gln1154Pro; replaces glutamine 1154 with proline.
Molecular consequence: missense variant. On other transcripts: non-coding transcript variant (1).
Genome position (GRCh38, 1-based): chr13:102,674,372, A>C. VCF-style: chr13-102674372-A-C. GRCh37 (hg19) VCF-style: chr13-103326722-A-C.
Other names: p.Gln1141Pro; c.3548A>C, p.Gln1183Pro (NM_001367947.1); c.3422A>C, p.Gln1141Pro (NM_003291.4); short protein forms Q1183P, Q1154P, Q1141P.
Identifiers: ClinVar variation 1046445 (VCV001046445.6), dbSNP rs199702252, ClinGen allele CA7038278.